The following is an entry in ClinVar:

NM_020853.2(FAM234B):c.520G>A (p.Gly174Arg)

Gene: FAM234B (family with sequence similarity 234 member B; plus strand). Cytogenetic location: 12p13.1.
Variant type: single nucleotide variant.
Coding change: c.520G>A on transcript NM_020853.2 (MANE Select); coding-DNA position 520, G replaced by A.
Protein change: p.Gly174Arg; replaces glycine 174 with arginine.
Molecular consequence: missense variant.
Genome position (GRCh38, 1-based): chr12:13,058,537, G>A. VCF-style: chr12-13058537-G-A. GRCh37 (hg19) VCF-style: chr12-13211471-G-A.
Other names: short protein forms G174R.
Identifiers: ClinVar variation 3039313 (VCV003039313.2), dbSNP rs117039796, ClinGen allele CA6459520.
Genomic context (GRCh38, chr12:13,058,537, plus strand): 5'-GCTGATGTGAATGGAGATGGCCTGCGTGATGTGCTTCTCTCCTTTGTGATGTCAAGGAAC[G>A]GGAGTGCAGTAGGTAAGAGACGTGTTTTTTTCAAGGCTGCTACAGGGGCACTGTCAGCTA-3'
Protein context (NP_065904.1, residues 164-184): VLLSFVMSRN[Gly174Arg]SAVGVSRPAA

ClinVar aggregate classification (germline): Benign (0 of 4 stars; one submission).

Conditions:
FAM234B-related disorder. Also called: FAM234B-related condition.

Allele frequency attached by ClinVar (database versions not stated): ESP Exome Variant Server 0.01307; TOPMed 0.01373; gnomAD 0.01473; gnomAD exomes 0.01991; ExAC 0.02146; 1000 Genomes Project 30x 0.02155; 1000 Genomes Project 0.02157.
gnomAD v4.1: 31,348 of 1,612,618 alleles (1.9%); highest among the groups gnomAD compares: East Asian, 6.5%; 499 homozygotes.

Submission:

PreventionGenetics, part of Exact Sciences
Classification: Benign for FAM234B-related condition. Last evaluated: 2019-02-19. Review status: no assertion criteria provided. Collection method: clinical testing. Allele origin: germline.
Comment: This variant is classified as benign based on ACMG/AMP sequence variant interpretation guidelines (Richards et al. 2015 PMID: 25741868, with internal and published modifications).